The following is an entry in ClinVar:

ClinVar aggregate classification (germline): Likely pathogenic. Review status: criteria provided, multiple submitters, no conflicts (2 of 4 stars). 6 submissions from 6 submitters: Likely pathogenic (6). Last evaluated 2025-07-09.

Conditions:
MPO-related disorder. Also called: MPO-related condition.
Myeloperoxidase deficiency (MPOD). Also called: Myeloperoxidase deficiency syndrome; MPO DEFICIENCY. Identifiers: Orphanet 2587, MedGen C0398595, MONDO:0009694, OMIM 254600.
Alzheimer disease type 1 (AD1). Also called: ALZHEIMER DISEASE, FAMILIAL, 1; ALZHEIMER DISEASE, FAMILIAL, 1, AUTOSOMAL RECESSIVE. Identifiers: MedGen C1863052, MONDO:0007088, OMIM 104300.

Allele frequency attached by ClinVar (database versions not stated): gnomAD 0.00011 and 0.00012; gnomAD exomes 0.00011 and 0.00018; ExAC 0.00013; TOPMed 0.00016.

Submissions (7):

First Genomix Gene Laboratory, Genetic Diagnostics Department
Classification: Likely pathogenic for Myeloperoxidase deficiency. Last evaluated: 2025-07-09. Review status: criteria provided, single submitter. Criteria: ACMG Guidelines, 2015. Collection method: clinical testing. Allele origin: germline. Inheritance: Autosomal recessive inheritance. Affected: no. Observed: 1 variant allele.

Revvity Omics, Revvity
Classification: Likely pathogenic for Myeloperoxidase deficiency. Last evaluated: 2025-04-03. Review status: criteria provided, single submitter. Criteria: ACMG Guidelines, 2015. Collection method: clinical testing. Allele origin: germline.

Blueprint Genetics
Classification: Likely pathogenic for MPO-related disorders. Last evaluated: 2024-10-09. Review status: criteria provided, single submitter. Criteria: ACMG Guidelines, 2015. Collection method: clinical testing. Allele origin: germline. Affected: yes. Observed: 5 variant alleles.

Genomic Medicine Center of Excellence, King Faisal Specialist Hospital and Research Centre
Classification: Likely pathogenic for Myeloperoxidase deficiency. Last evaluated: 2024-03-26. Review status: criteria provided, single submitter. Criteria: ACMG Guidelines, 2015. Collection method: clinical testing. Allele origin: germline.

Department of Pathology and Laboratory Medicine, Sinai Health System
Classification: Likely pathogenic for Myeloperoxidase deficiency. Last evaluated: 2023-08-17. Review status: criteria provided, single submitter. Criteria: ACMG Guidelines, 2015. Collection method: research. Allele origin: germline.

Fulgent Genetics
Classification: Likely pathogenic for Alzheimer disease type 1; Myeloperoxidase deficiency. Last evaluated: 2022-04-01. Review status: criteria provided, single submitter. Criteria: ACMG Guidelines, 2015. Collection method: clinical testing. Allele origin: unknown.

Dr. Peter K. Rogan Lab, Western University
No classification provided (evidence only). Condition: Acute myeloid leukemia. Review status: no classification provided. Collection method: in vitro. Allele origin: not applicable. Functional consequence: skipped exon, retained intron. Not counted in ClinVar's aggregate classification.

NM_000250.2(MPO):c.249-2A>G

Genes: MPO (myeloperoxidase; minus strand), LOC106694315 (MPO proximal enhancer and promoter region; plus strand). Cytogenetic location: 17q22.
Variant type: single nucleotide variant.
Coding change: c.249-2A>G on transcript NM_000250.2 (MANE Select); the canonical splice acceptor site of the intron before coding-DNA position 249, A replaced by G.
Molecular consequence: splice acceptor variant.
Genome position (GRCh38, 1-based): chr17:58,280,016, T>C on the plus strand (A>G on the coding strand, the complement: MPO is on the minus strand). VCF-style: chr17-58280016-T-C. GRCh37 (hg19) VCF-style: chr17-56357377-T-C.
Other names: NC_000017.10:g.56357377T>C.
Identifiers: ClinVar variation 1324732 (VCV001324732.8), dbSNP rs762526880, ClinGen allele CA8671020.